The following is an entry in ClinVar:

NM_152564.5(VPS13B):c.5329A>C (p.Lys1777Gln)

Gene: VPS13B (vacuolar protein sorting 13 homolog B; plus strand). Cytogenetic location: 8q22.2.
Variant type: single nucleotide variant.
Coding change: c.5329A>C on transcript NM_152564.5 (MANE Select); coding-DNA position 5329, A replaced by C.
Protein change: p.Lys1777Gln; replaces lysine 1777 with glutamine.
Molecular consequence: missense variant.
Genome position (GRCh38, 1-based): chr8:99,641,919, A>C. VCF-style: chr8-99641919-A-C. GRCh37 (hg19) VCF-style: chr8-100654147-A-C.
Other names: c.5404A>C, p.Lys1802Gln (NM_017890.5); short protein forms K1777Q, K1802Q.
Identifiers: ClinVar variation 1305800 (VCV001305800.3), dbSNP rs1204705363, ClinGen allele CA371872310.

ClinVar aggregate classification (germline): Uncertain significance. Review status: criteria provided, multiple submitters, no conflicts (2 of 4 stars). 2 submissions from 2 submitters: Uncertain significance (2). Last evaluated 2022-07-13.

Allele frequency attached by ClinVar (database versions not stated): gnomAD exomes below 0.00001.
gnomAD v4.1: 2 of 1,614,148 alleles (0.00012%); highest among the groups gnomAD compares: Non-Finnish European, 0.00017%; no homozygotes.

Submissions (2):

Blueprint Genetics
Classification: Uncertain significance. Last evaluated: 2022-07-13. Review status: criteria provided, single submitter. Criteria: ACMG Guidelines, 2015. Collection method: clinical testing. Allele origin: germline.

GeneDx
Classification: Uncertain significance. Last evaluated: 2019-05-28. Review status: criteria provided, single submitter. Criteria: GeneDx Variant Classification Process June 2021. Collection method: clinical testing. Allele origin: germline. Affected: yes.
Comment: Not observed at a significant frequency in large population cohorts (Lek et al., 2016); In silico analysis, which includes protein predictors and evolutionary conservation, supports that this variant does not alter protein structure/function; Has not been previously published as pathogenic or benign to our knowledge